The following is an entry in ClinVar:

ClinVar aggregate classification (germline): Likely benign (0 of 4 stars; one submission).

Conditions:
TJP1-related disorder. Also called: TJP1-related condition.

Allele frequency attached by ClinVar (database versions not stated): ESP Exome Variant Server 0.00024; ExAC 0.00044; 1000 Genomes Project 30x 0.00141; 1000 Genomes Project 0.00180.
gnomAD v4.1: 482 of 1,614,084 alleles (0.03%); highest among the groups gnomAD compares: East Asian, 0.73%; 2 homozygotes.

Submission:

PreventionGenetics, part of Exact Sciences
Classification: Likely benign for TJP1-related condition. Last evaluated: 2019-05-28. Review status: no assertion criteria provided. Collection method: clinical testing. Allele origin: germline.
Comment: This variant is classified as likely benign based on ACMG/AMP sequence variant interpretation guidelines (Richards et al. 2015 PMID: 25741868, with internal and published modifications).

NM_001330239.4(TJP1):c.3230G>A (p.Arg1077His)

Genes: TJP1 (tight junction protein 1; minus strand), LOC126862085 (P300/CBP strongly-dependent group 1 enhancer GRCh37_chr15:30010173-30011372; plus strand). Cytogenetic location: 15q13.1.
Variant type: single nucleotide variant.
Coding change: c.3230G>A on transcript NM_001330239.4 (MANE Select); coding-DNA position 3230, G replaced by A.
Protein change: p.Arg1077His; replaces arginine 1077 with histidine.
Molecular consequence: missense variant.
Genome position (GRCh38, 1-based): chr15:29,718,912, C>T on the plus strand (G>A on the coding strand, the complement: TJP1 is on the minus strand). VCF-style: chr15-29718912-C-T. GRCh37 (hg19) VCF-style: chr15-30011116-C-T.
Other names: c.3509G>A, p.Arg1170His (NM_001301025.3, NM_001355012.2); c.3002G>A, p.Arg1001His (NM_001301026.2); c.3242G>A, p.Arg1081His (NM_001355013.1); c.3230G>A, p.Arg1077His (NM_001355014.2, NM_003257.5); c.2990G>A, p.Arg997His (NM_001355015.2, NM_175610.4); short protein forms R1001H, R1077H, R1081H, R1170H, R997H.
Identifiers: ClinVar variation 3043949 (VCV003043949.2), dbSNP rs140507225, ClinGen allele CA7446825.